The following is an entry in ClinVar:

NM_001291303.3(FAT4):c.2511T>C (p.Gly837=)

Gene: FAT4 (FAT atypical cadherin 4; plus strand). Cytogenetic location: 4q28.1.
Variant type: single nucleotide variant.
Coding change: c.2511T>C on transcript NM_001291303.3 (MANE Select); coding-DNA position 2511, T replaced by C.
Protein change: p.Gly837=; no amino-acid change (glycine 837 retained).
Molecular consequence: synonymous variant.
Genome position (GRCh38, 1-based): chr4:125,318,922, T>C. VCF-style: chr4-125318922-T-C. GRCh37 (hg19) VCF-style: chr4-126240077-T-C.
Other names: c.2511T>C, p.Gly837= (NM_001291285.3, NM_024582.6).
Identifiers: ClinVar variation 3234677 (VCV003234677.20), dbSNP rs1316972214, ClinGen allele CA441367617.
Genomic context (GRCh38, chr4:125,318,922, plus strand): 5'-ATCCACCATGGATCTCAATTCCAACATCAGTTATCTCATTACTACTGGGGATCAGAAAGG[T>C]ATGTTTGCTATCAACCAGGTCACTGGGCAGCTTACCACAGCAAATGTGATTGATAGAGAA-3'
Protein context (NP_001278232.1, residues 827-847): SYLITTGDQK[Gly837=]MFAINQVTGQ

ClinVar aggregate classification (germline): Likely benign (1 of 4 stars; one submission).

Submission:

CeGaT Center for Human Genetics Tuebingen
Classification: Likely benign. Last evaluated: 2024-04-01. Review status: criteria provided, single submitter. Criteria: CeGaT Center For Human Genetics Tuebingen Variant Classification Criteria Version 2. Collection method: clinical testing. Allele origin: germline. Affected: yes. Observed: 1 variant allele.
Comment: FAT4: BP4, BP7